The following is an entry in ClinVar:

NM_001018005.2(TPM1):c.323C>T (p.Thr108Ile)

Gene: TPM1 (tropomyosin 1; plus strand). Cytogenetic location: 15q22.2.
Variant type: single nucleotide variant.
Coding change: c.323C>T on transcript NM_001018005.2 (MANE Select); coding-DNA position 323, C replaced by T.
Protein change: p.Thr108Ile; replaces threonine 108 with isoleucine.
Molecular consequence: missense variant. On other transcripts: non-coding transcript variant (17).
Genome position (GRCh38, 1-based): chr15:63,057,067, C>T. VCF-style: chr15-63057067-C-T. GRCh37 (hg19) VCF-style: chr15-63349266-C-T.
Other names: c.323C>T, p.Thr108Ile (NM_000366.6, NM_001018004.2, NM_001018006.2 and 20 more transcripts); c.215C>T, p.Thr72Ile (NM_001018008.2, NM_001301289.2, NM_001330344.2 and 9 more transcripts); c.449C>T, p.Thr150Ile (NM_001365778.1, NM_001407322.1, NM_001407323.1 and 1 more transcripts); short protein forms T108I, T72I, T150I.
Identifiers: ClinVar variation 3328288 (VCV003328288.1).
Genomic context (GRCh38, chr15:63,057,067, plus strand): 5'-TGAACAGACGCATCCAGCTGGTTGAGGAAGAGTTGGATCGTGCCCAGGAGCGTCTGGCAA[C>T]AGCTTTGCAGAAGCTGGAGGAAGCTGAGAAGGCAGCAGATGAGAGTGAGAGGTGAGAATG-3'
Protein context (NP_001018005.1, residues 98-118): ELDRAQERLA[Thr108Ile]ALQKLEEAEK

ClinVar aggregate classification (germline): Uncertain significance. Review status: reviewed by expert panel (3 of 4 stars). 2 submissions from 2 submitters: Uncertain significance (1). 1 of the submissions does not count toward it. Last evaluated 2025-11-14.

Conditions:
Cardiovascular phenotype. Identifiers: MedGen CN230736.
Hypertrophic cardiomyopathy. Also called: HYPERTROPHIC MYOCARDIOPATHY. Identifiers: Orphanet 217569, MedGen C0007194, MeSH D002312, MONDO:0005045, HP:0001639.

gnomAD v4.1: 5 of 1,614,202 alleles (0.00031%); highest among the groups gnomAD compares: Non-Finnish European, 0.00042%; no homozygotes.

Submissions (2):

ClinGen Cardiomyopathy Variant Curation Expert Panel
Classification: Uncertain significance for Hypertrophic cardiomyopathy. Last evaluated: 2025-11-14. Review status: reviewed by expert panel. Criteria: ClinGen CMP ACMG Specifications TPM1 V1.0.0. Collection method: curation. Allele origin: germline. Inheritance: Autosomal dominant inheritance.
Comment: The NM_001018005.2(TPM1):c.323C>T (p.Thr108Ile). This variant has not been identified in individuals with cardiomyopathy nor in large population studies (PM2_Supporting;, v.2.1). This missense variant is in a gene that has been determined to have a low rate of benign missense variation and in which missense variants are a common mechanism of disease (PP2; Walsh et al. 2019 PMID:30696458). Additionally, computational prediction tools and conservation analysis suggest that this variant may impact the protein (PP3; REVEL score ≥0.70). In summary, due to insufficient evidence, this variant is classified as uncertain significance for hypertrophic cardiomyopathy in an autosomal dominant manner based on PM2_Supporting, PP2, and PP3.

Ambry Genetics
Classification: Uncertain significance for Cardiovascular phenotype. Last evaluated: 2024-05-15. Review status: criteria provided, single submitter. Criteria: Ambry Variant Classification Scheme 2023. Collection method: clinical testing. Allele origin: germline. Not counted in ClinVar's aggregate classification.